The following is an entry in ClinVar:

ClinVar aggregate classification (germline): Uncertain significance (1 of 4 stars; one submission).

Allele frequency attached by ClinVar (database versions not stated): TOPMed below 0.00001; gnomAD 0.00003.
gnomAD v4.1: 16 of 1,612,612 alleles (0.00099%); highest among the groups gnomAD compares: South Asian, 0.0033%; no homozygotes.

Submission:

Labcorp Genetics (formerly Invitae), Labcorp
Classification: Uncertain significance. Last evaluated: 2021-05-08. Review status: criteria provided, single submitter. Criteria: Invitae Variant Classification Sherloc (09022015). Collection method: clinical testing. Allele origin: germline.
Comment: This sequence change replaces aspartic acid with asparagine at codon 90 of the TMEM230 protein (p.Asp90Asn). The aspartic acid residue is highly conserved and there is a small physicochemical difference between aspartic acid and asparagine. This variant is present in population databases (rs761361465, ExAC 0.002%). This variant has not been reported in the literature in individuals with TMEM230-related conditions. Algorithms developed to predict the effect of missense changes on protein structure and function are either unavailable or do not agree on the potential impact of this missense change (SIFT: "Deleterious"; PolyPhen-2: "Benign"; Align-GVGD: "Class C0"). In summary, the available evidence is currently insufficient to determine the role of this variant in disease. Therefore, it has been classified as a Variant of Uncertain Significance.

NM_001009925.2(TMEM230):c.79G>A (p.Asp27Asn)

Gene: TMEM230 (transmembrane protein 230; minus strand). Cytogenetic location: 20p12.3.
Variant type: single nucleotide variant.
Coding change: c.79G>A on transcript NM_001009925.2 (MANE Select); coding-DNA position 79, G replaced by A.
Protein change: p.Asp27Asn; replaces aspartic acid 27 with asparagine.
Molecular consequence: missense variant.
Genome position (GRCh38, 1-based): chr20:5,109,352, C>T on the plus strand (G>A on the coding strand, the complement: TMEM230 is on the minus strand). VCF-style: chr20-5109352-C-T. GRCh37 (hg19) VCF-style: chr20-5089998-C-T.
Other names: c.79G>A, p.Asp27Asn (NM_001009924.2, NM_001330984.2, NM_001330985.2 and 4 more transcripts); short protein forms D27N.
Identifiers: ClinVar variation 1448099 (VCV001448099.8), dbSNP rs761361465, ClinGen allele CA9753444.